The following is an entry in ClinVar:

ClinVar aggregate classification (germline): Uncertain significance (1 of 4 stars; one submission).

Submission:

GeneDx
Classification: Uncertain significance. Last evaluated: 2025-03-05. Review status: criteria provided, single submitter. Criteria: GeneDx Variant Classification Process June 2021. Collection method: clinical testing. Allele origin: germline.
Comment: Not observed at significant frequency in large population cohorts (gnomAD); In silico analysis supports that this missense variant has a deleterious effect on protein structure/function; Has not been previously published as pathogenic or benign to our knowledge

NM_000701.8(ATP1A1):c.2162A>G (p.Asp721Gly)

Genes: ATP1A1 (ATPase Na+/K+ transporting subunit alpha 1; plus strand), ATP1A1-AS1 (ATP1A1 antisense RNA 1; minus strand). Cytogenetic location: 1p13.1.
Variant type: single nucleotide variant.
Coding change: c.2162A>G on transcript NM_000701.8 (MANE Select); coding-DNA position 2162, A replaced by G.
Protein change: p.Asp721Gly; replaces aspartic acid 721 with glycine.
Molecular consequence: missense variant.
Genome position (GRCh38, 1-based): chr1:116,398,658, A>G. VCF-style: chr1-116398658-A-G. GRCh37 (hg19) VCF-style: chr1-116941280-A-G.
Other names: c.2162A>G, p.Asp721Gly (NM_001160233.2); c.2069A>G, p.Asp690Gly (NM_001160234.2); short protein forms D690G, D721G.
Identifiers: ClinVar variation 3366236 (VCV003366236.2).